The following is an entry in ClinVar:

ClinVar aggregate classification (germline): Benign. Review status: criteria provided, multiple submitters, no conflicts (2 of 4 stars). 3 submissions from 3 submitters: Benign (2). 1 of the submissions does not count toward it. Last evaluated 2026-02-04.

Conditions:
ARHGEF18-related disorder. Also called: ARHGEF18-related condition.

Allele frequency attached by ClinVar (database versions not stated): gnomAD exomes 0.22743 and 0.21248; ESP Exome Variant Server 0.21197; gnomAD 0.22063 and 0.22101; ExAC 0.30748; 1000 Genomes Project 30x 0.22548; TOPMed 0.22579; 1000 Genomes Project 0.22704.
gnomAD v4.1: 358,614 of 1,582,256 alleles (23%); highest among the groups gnomAD compares: East Asian, 30%; 41,584 homozygotes.

Submissions (3):

Labcorp Genetics (formerly Invitae), Labcorp
Classification: Benign. Last evaluated: 2026-02-04. Review status: criteria provided, single submitter. Criteria: Invitae Variant Classification Sherloc (09022015). Collection method: clinical testing. Allele origin: germline.

Breakthrough Genomics
Classification: Benign. Review status: criteria provided, single submitter. Criteria: ACMG Guidelines, 2015. Collection method: not provided. Allele origin: germline. Inheritance: Autosomal recessive inheritance. Affected: yes.

PreventionGenetics, part of Exact Sciences
Classification: Benign for ARHGEF18-related condition. Last evaluated: 2019-10-23. Review status: no assertion criteria provided. Collection method: clinical testing. Allele origin: germline. Not counted in ClinVar's aggregate classification.
Comment: This variant is classified as benign based on ACMG/AMP sequence variant interpretation guidelines (Richards et al. 2015 PMID: 25741868, with internal and published modifications).

NM_001367823.1(ARHGEF18):c.2427C>T (p.Arg809=)

Gene: ARHGEF18 (Rho/Rac guanine nucleotide exchange factor 18; plus strand). Cytogenetic location: 19p13.2.
Variant type: single nucleotide variant.
Coding change: c.2427C>T on transcript NM_001367823.1 (MANE Select); coding-DNA position 2427, C replaced by T.
Protein change: p.Arg809=; no amino-acid change (arginine 809 retained).
Molecular consequence: synonymous variant.
Genome position (GRCh38, 1-based): chr19:7,459,969, C>T. VCF-style: chr19-7459969-C-T. GRCh37 (hg19) VCF-style: chr19-7524855-C-T.
Other names: c.1701C>T, p.Arg567= (NM_001130955.2); c.1389C>T, p.Arg463= (NM_001367824.1, NM_015318.4); c.1863C>T (NM_001130955.1).
Identifiers: ClinVar variation 1168775 (VCV001168775.12), dbSNP rs2287915, ClinGen allele CA9136834.